The following is an entry in ClinVar:

ClinVar aggregate classification (germline): Benign. Review status: reviewed by expert panel (3 of 4 stars). 5 submissions from 4 submitters: Benign (1). 4 of the submissions do not count toward it. Last evaluated 2023-08-08.

Conditions:
CDH1-related diffuse gastric and lobular breast cancer syndrome. Also called: CDH1-related diffuse gastric and lobular breast cancer. Identifiers: MedGen CN311521, MONDO:0100488.
Prostate cancer. Also called: Malignant tumor of prostate. Identifiers: Orphanet 1331, MedGen C0376358, MONDO:0008315, HP:0012125.
Hereditary diffuse gastric adenocarcinoma (HDGC). Also called: DIFFUSE GASTRIC AND LOBULAR BREAST CANCER SYNDROME. Identifiers: Orphanet 26106, MedGen C1708349, MONDO:0007648, OMIM 137215.

Allele frequency attached by ClinVar (database versions not stated): ESP Exome Variant Server 0.00369; gnomAD exomes 0.00073 and 0.00032; gnomAD 0.00346 and 0.00329; TOPMed 0.00351; ExAC 0.00099; 1000 Genomes Project 0.00260; 1000 Genomes Project 30x 0.00312.
gnomAD v4.1: 997 of 1,611,610 alleles (0.062%); highest among the groups gnomAD compares: African/African-American, 1.2%; 8 homozygotes.

Submissions (5):

Clingen Gastric Cancer Variant Curation Expert Panel
Classification: Benign for CDH1-related diffuse gastric and lobular breast cancer syndrome. Last evaluated: 2023-08-08. Review status: reviewed by expert panel. Criteria: ClinGen CDH1 ACMG Specifications V3.1. Collection method: curation. Allele origin: germline. Inheritance: Autosomal dominant inheritance.
Comment: The c.2439+22C>T has a frequency of 0.00096 in gnomAD (271 of 280,840), with a maximum subpopulation frequency of 0.01029 (255 of 24,778) in the African population and includes one homozygote (BA1). To our knowledge, this variant has not been reported in the literature. In summary, this variant meets criteria to be classified as benign based on ACMG/AMP criteria applied as specified by the CDH1 Variant Curation Expert Panel (Variant Interpretation Guidelines Version 3.1): BA1.

Center for Genomic Medicine, Rigshospitalet, Copenhagen University Hospital
Classification: Benign. Last evaluated: 2025-03-04. Review status: criteria provided, single submitter. Criteria: ACMG Guidelines, 2015. Collection method: clinical testing. Allele origin: germline. Not counted in ClinVar's aggregate classification.

KCCC/NGS Laboratory, Kuwait Cancer Control Center
Classification: Benign for Hereditary diffuse gastric adenocarcinoma. Last evaluated: 2025-02-01. Review status: criteria provided, single submitter. Criteria: ACMG Guidelines, 2015. Collection method: clinical testing. Allele origin: germline. Affected: no. Not counted in ClinVar's aggregate classification.

KCCC/NGS Laboratory, Kuwait Cancer Control Center
Classification: Benign for Familial prostate cancer. Last evaluated: 2023-07-07. Review status: criteria provided, single submitter. Criteria: ACMG Guidelines, 2015. Collection method: clinical testing. Allele origin: germline. Affected: yes. Not counted in ClinVar's aggregate classification.

PreventionGenetics, part of Exact Sciences
Classification: Benign. Review status: criteria provided, single submitter. Criteria: ACMG Guidelines, 2015. Collection method: clinical testing. Allele origin: germline. Not counted in ClinVar's aggregate classification.

NM_004360.5(CDH1):c.2439+22C>T

Gene: CDH1 (cadherin 1; plus strand). Cytogenetic location: 16q22.1.
Variant type: single nucleotide variant.
Coding change: c.2439+22C>T on transcript NM_004360.5 (MANE Select); 22 bases into the intron after coding-DNA position 2439, C replaced by T.
Molecular consequence: intron variant.
Genome position (GRCh38, 1-based): chr16:68,829,819, C>T. VCF-style: chr16-68829819-C-T. GRCh37 (hg19) VCF-style: chr16-68863722-C-T.
Other names: c.2439+22C>T (LRG_301t1, NM_004360.4); c.891+22C>T (NM_001317185.2); c.474+22C>T (NM_001317186.2); c.2256+22C>T (NM_001317184.2).
Identifiers: ClinVar variation 259293 (VCV000259293.10), dbSNP rs34751606, ClinGen allele CA8130277.